The following is an entry in ClinVar:

ClinVar aggregate classification (germline): Uncertain significance (1 of 4 stars; one submission).

Submission:

Labcorp Genetics (formerly Invitae), Labcorp
Classification: Uncertain significance. Last evaluated: 2022-08-24. Review status: criteria provided, single submitter. Criteria: Invitae Variant Classification Sherloc (09022015). Collection method: clinical testing. Allele origin: germline.
Comment: Algorithms developed to predict the effect of sequence changes on RNA splicing suggest that this variant may disrupt the consensus splice site. In summary, the available evidence is currently insufficient to determine the role of this variant in disease. Therefore, it has been classified as a Variant of Uncertain Significance. Algorithms developed to predict the effect of missense changes on protein structure and function (SIFT, PolyPhen-2, Align-GVGD) all suggest that this variant is likely to be tolerated. This variant has not been reported in the literature in individuals affected with CLCNKB-related conditions. This variant is not present in population databases (gnomAD no frequency). This sequence change replaces glutamine, which is neutral and polar, with leucine, which is neutral and non-polar, at codon 616 of the CLCNKB protein (p.Gln616Leu).

NM_000085.5(CLCNKB):c.1847A>T (p.Gln616Leu)

Genes: CLCNKB (chloride voltage-gated channel Kb; plus strand), LOC106501713 (CLCNKB recombination region; plus strand). Cytogenetic location: 1p36.13.
Variant type: single nucleotide variant.
Coding change: c.1847A>T on transcript NM_000085.5 (MANE Select); coding-DNA position 1847, A replaced by T.
Protein change: p.Gln616Leu; replaces glutamine 616 with leucine.
Molecular consequence: missense variant. On other transcripts: splice acceptor variant (1).
Genome position (GRCh38, 1-based): chr1:16,055,676, A>T. VCF-style: chr1-16055676-A-T. GRCh37 (hg19) VCF-style: chr1-16382171-A-T.
Other names: c.1339-2A>T (NM_001165945.2); short protein forms Q616L.
Identifiers: ClinVar variation 1713960 (VCV001713960.6), dbSNP rs2524401946, ClinGen allele CA338645192.